The following is an entry in ClinVar:

NM_001079866.2(BCS1L):c.340C>T (p.Arg114Trp)

Gene: BCS1L (BCS1 ubiquinol-cytochrome c reductase complex chaperone; plus strand). Cytogenetic location: 2q35.
Variant type: single nucleotide variant.
Coding change: c.340C>T on transcript NM_001079866.2 (MANE Select); coding-DNA position 340, C replaced by T.
Protein change: p.Arg114Trp; replaces arginine 114 with tryptophan.
Molecular consequence: missense variant. On other transcripts: 5 prime UTR variant (7), non-coding transcript variant (1), intron variant (1).
Genome position (GRCh38, 1-based): chr2:218,661,425, C>T. VCF-style: chr2-218661425-C-T. GRCh37 (hg19) VCF-style: chr2-219526148-C-T.
Other names: c.340C>T, p.Arg114Trp (NM_001257342.2, NM_001257343.2, NM_001257344.2 and 10 more transcripts); c.-21C>T (NM_001318836.2, NM_001371451.1); c.-137C>T (NM_001371453.1, NM_001371454.1, NM_001371455.1 and 2 more transcripts); c.-41-334C>T (NM_001371452.1); short protein forms R114W.
Identifiers: ClinVar variation 1455942 (VCV001455942.16), dbSNP rs778769841, ClinGen allele CA2109649.
Genomic context (GRCh38, chr2:218,661,425, plus strand): 5'-TTGACCCATTCACTCACTCAGTTTTGATCGTTCTTATTCAGGTATCGGGGGAAATGGATT[C>T]GGGTAGAACGAAGTCGAGAGATGCAGATGATAGACTTGCAGACGGGGACTCCTTGGGAAT-3'
Protein context (NP_001073335.1, residues 104-124): HFIWYRGKWI[Arg114Trp]VERSREMQMI

ClinVar aggregate classification (germline): Conflicting classifications of pathogenicity. Review status: criteria provided, conflicting classifications (1 of 4 stars). 10 submissions from 10 submitters: Pathogenic (1); Likely pathogenic (8); Uncertain significance (1). Last evaluated 2026-08-12.

Conditions:
GRACILE syndrome (FLNMS). Also called: FELLMAN SYNDROME; FINNISH LETHAL NEONATAL METABOLIC SYNDROME. Identifiers: Orphanet 53693, MedGen C1864002, MONDO:0011308, OMIM 603358.
Pili torti-deafness syndrome (BJS). Also called: PILI TORTI AND NERVE DEAFNESS; Bjornstad syndrome. Identifiers: Orphanet 123, MedGen C0266006, MONDO:0009872, OMIM 262000.
Mitochondrial complex III deficiency nuclear type 1. Identifiers: Orphanet 254902, MedGen C3541471, MONDO:0007415, OMIM 124000.
BCS1L-related disorder. Also called: BCS1L-related condition; BCS1L-related disorders. Identifiers: MedGen CN239240.

Allele frequency attached by ClinVar (database versions not stated): TOPMed 0.00004; gnomAD 0.00005; ExAC 0.00008; gnomAD exomes 0.00008 and 0.00011.

Submissions (10):

PreventionGenetics, part of Exact Sciences
Classification: Likely pathogenic for BCS1L-related condition. Last evaluated: 2026-08-12. Review status: criteria provided, single submitter. Criteria: ACMG Guidelines, 2015. Collection method: clinical testing. Allele origin: germline.
Comment: The BCS1L c.340C>T variant is predicted to result in the amino acid substitution p.Arg114Trp. This variant was reported in a compound heterozygous state in two siblings with Bjornstad syndrome in trans with an additional pathogenic variant (Hinson et al. 2007. PubMed ID: 17314340). In vivo experimental studies in yeast indicate this variant impacts mitochondrial function (Hinson et al. 2007. PubMed ID: 17314340). This variant is reported in 0.013% of alleles in individuals of European (Non-Finnish) descent in gnomAD. This variant is interpreted as likely pathogenic.

Myriad Genetics, Inc.
Classification: Uncertain significance for BCS1L-related disorder. Last evaluated: 2026-02-20. Review status: criteria provided, single submitter. Criteria: Myriad Autosomal Dominant, Autosomal Recessive and X-Linked Classification Criteria (2023). Collection method: clinical testing. Allele origin: unknown.
Comment: NM_004328.4(BCS1L):c.340C>T(R114W) is a missense variant classified as a variant of uncertain significance in the context of BCS1L-related disorders. R114W has been observed in cases with relevant disease (PMID: 17314340, Cohen_2016_(Article), 40110048). Relevant functional assessments of this variant are not available in the literature. R114W has been observed in referenced population frequency databases. In summary, there is insufficient evidence to classify NM_004328.4(BCS1L):c.340C>T(R114W) as pathogenic or benign. Please note: this variant was assessed in the context of healthy population screening.

Labcorp Genetics (formerly Invitae), Labcorp
Classification: Pathogenic. Last evaluated: 2025-12-29. Review status: criteria provided, single submitter. Criteria: Invitae Variant Classification Sherloc (09022015). Collection method: clinical testing. Allele origin: germline.
Comment: This sequence change replaces arginine, which is basic and polar, with tryptophan, which is neutral and slightly polar, at codon 114 of the BCS1L protein (p.Arg114Trp). This variant is present in population databases (rs778769841, gnomAD 0.01%). This missense change has been observed in individual(s) with BCS1L-related conditions (PMID: 17314340). In at least one individual the data is consistent with being in trans (on the opposite chromosome) from a pathogenic variant. It has also been observed to segregate with disease in related individuals. ClinVar contains an entry for this variant (Variation ID: 1455942). Invitae Evidence Modeling of protein sequence and biophysical properties (such as structural, functional, and spatial information, amino acid conservation, physicochemical variation, residue mobility, and thermodynamic stability) has been performed for this missense variant. However, the output from this modeling did not meet the statistical confidence thresholds required to predict the impact of this variant on BCS1L protein function. Experimental studies have shown that this missense change affects BCS1L function (PMID: 17314340). For these reasons, this variant has been classified as Pathogenic.

Women's Health and Genetics/Laboratory Corporation of America, LabCorp
Classification: Likely pathogenic for Pili torti-deafness syndrome. Last evaluated: 2025-11-21. Review status: criteria provided, single submitter. Criteria: LabCorp Variant Classification Summary - May 2015. Collection method: clinical testing. Allele origin: germline.
Comment: Variant summary: BCS1L c.340C>T (p.Arg114Trp) results in a non-conservative amino acid change located in the BCS1, N-terminal domain (IPR014851) of the encoded protein sequence. Algorithms developed to predict the effect of missense changes on protein structure and function all suggest that this variant is likely to be disruptive. The variant allele was found at a frequency of 8.4e-05 in 251494 control chromosomes. This frequency is not significantly higher than estimated for disease-causing variants in BCS1L, allowing no conclusion about variant significance. c.340C>T has been observed in two siblings in one family affected with Bjornstad Syndrome (Hinson_2007). These data indicate that the variant may be associated with disease. At least one publication reports experimental evidence evaluating an impact on protein function. The most pronounced variant effect results in inability of the mutant to rescue yeast growth on mitochondria selective growth media in a yeast complementation assay (Hinson_2007). The following publication have been ascertained in the context of this evaluation (PMID: 17314340). ClinVar contains an entry for this variant (Variation ID: 1455942). Based on the evidence outlined above, the variant was classified as likely pathogenic.

Natera, Inc.
Classification: Likely pathogenic for GRACILE syndrome. Last evaluated: 2025-08-17. Review status: criteria provided, single submitter. Criteria: Natera Variant Classification Schema (03/2026). Collection method: clinical testing. Allele origin: germline.
Comment: The c.340C>T variant in BCS1L is a missense variant predicted to cause substitution of arginine to tryptophan at amino acid 114. This variant is rare in the general population with a frequency below the threshold expected for the associated phenotype(s). This variant has been observed in one or more individuals affected with the associated recessive disease, as either homozygous or compound heterozygous with a second variant (PMID: 17314340). This variant has been observed to segregate in affected family members (PMID: 17314340). Given the available evidence, this variant is classified as Likely Pathogenic.

GeneDx
Classification: Likely pathogenic. Last evaluated: 2024-07-31. Review status: criteria provided, single submitter. Criteria: GeneDx Variant Classification Process June 2021. Collection method: clinical testing. Allele origin: germline. Affected: yes.
Comment: Complementation studies in yeast demonstrate a damaging effect (PMID: 17314340); Not observed at significant frequency in large population cohorts (gnomAD); In silico analysis supports that this missense variant has a deleterious effect on protein structure/function; This variant is associated with the following publications: (PMID: 17314340, 23220121, 25895478, 28322498)

Fulgent Genetics
Classification: Likely pathogenic for Mitochondrial complex III deficiency nuclear type 1; Pili torti-deafness syndrome; GRACILE syndrome. Last evaluated: 2024-06-01. Review status: criteria provided, single submitter. Criteria: ACMG Guidelines, 2015. Collection method: clinical testing. Allele origin: germline.

Baylor Genetics
Classification: Likely pathogenic for Pili torti-deafness syndrome. Last evaluated: 2024-03-16. Review status: criteria provided, single submitter. Criteria: ACMG Guidelines, 2015. Collection method: clinical testing. Allele origin: unknown.

Blueprint Genetics
Classification: Likely pathogenic for BCS1L-related disorders. Last evaluated: 2021-11-19. Review status: criteria provided, single submitter. Criteria: ACMG Guidelines, 2015. Collection method: clinical testing. Allele origin: germline. Affected: yes. Observed: 3 variant alleles.

Kariminejad - Najmabadi Pathology & Genetics Center
Classification: Likely pathogenic for GRACILE syndrome. Review status: criteria provided, single submitter. Criteria: ACMG Guidelines, 2015. Collection method: clinical testing. Allele origin: germline. Affected: no.

Literature cited by the submitters: PubMed 17314340 (cited by 3 submitters).